The following is an entry in ClinVar:

ClinVar aggregate classification (germline): Uncertain significance (1 of 4 stars; one submission).

Conditions:
FREM2-related disorder. Also called: FREM2-related condition.

gnomAD v4.1: 8 of 1,614,130 alleles (0.0005%); highest among the groups gnomAD compares: East Asian, 0.0045%; no homozygotes.

Submission:

PreventionGenetics, part of Exact Sciences
Classification: Uncertain significance for FREM2-related condition. Last evaluated: 2025-08-30. Review status: criteria provided, single submitter. Criteria: ACMG Guidelines, 2015. Collection method: clinical testing. Allele origin: germline.
Comment: The FREM2 c.2612C>T variant is predicted to result in the amino acid substitution p.Ala871Val. To our knowledge, this variant has not been reported in the literature or in a large population database (gnomAD), indicating this variant is rare. At this time, the clinical significance of this variant is uncertain due to the absence of conclusive functional and genetic evidence.

NM_207361.6(FREM2):c.2612C>T (p.Ala871Val)

Gene: FREM2 (FRAS1 related extracellular matrix 2; plus strand). Cytogenetic location: 13q13.3.
Variant type: single nucleotide variant.
Coding change: c.2612C>T on transcript NM_207361.6 (MANE Select); coding-DNA position 2612, C replaced by T.
Protein change: p.Ala871Val; replaces alanine 871 with valine.
Molecular consequence: missense variant.
Genome position (GRCh38, 1-based): chr13:38,689,956, C>T. VCF-style: chr13-38689956-C-T. GRCh37 (hg19) VCF-style: chr13-39264093-C-T.
Other names: short protein forms A871V.
Identifiers: ClinVar variation 4994814 (VCV004994814.1).
Genomic context (GRCh38, chr13:38,689,956, plus strand): 5'-AGTTGCACGTGAATGATGTAGACACTGATGTTGCCCATATCTCTTTCACTCTCACTCAGG[C>T]ACCCAAACATGGCCACATGAGAGTGTCTGGACAGATCCTGCATGTAGGGGGTCTCTTCCA-3'
Protein context (NP_997244.4, residues 861-881): VAHISFTLTQ[Ala871Val]PKHGHMRVSG